The following is an entry in ClinVar:

ClinVar aggregate classification (germline): Uncertain significance (1 of 4 stars; one submission).

Conditions:
Myopathy, tubular aggregate, 2 (TAM2). Identifiers: MedGen C4014557, MONDO:0014383, OMIM 615883.
Combined immunodeficiency due to ORAI1 deficiency. Also called: IMMUNODEFICIENCY 9. Identifiers: Orphanet 169090, Orphanet 317428, MedGen C2748568, MONDO:0013007, OMIM 612782.

Submission:

Labcorp Genetics (formerly Invitae), Labcorp
Classification: Uncertain significance for Myopathy, tubular aggregate, 2; Combined immunodeficiency due to ORAI1 deficiency. Last evaluated: 2023-11-19. Review status: criteria provided, single submitter. Criteria: Invitae Variant Classification Sherloc (09022015). Collection method: clinical testing. Allele origin: germline.
Comment: This sequence change replaces leucine, which is neutral and non-polar, with phenylalanine, which is neutral and non-polar, at codon 16 of the ORAI1 protein (p.Leu16Phe). This variant is not present in population databases (gnomAD no frequency). This variant has not been reported in the literature in individuals affected with ORAI1-related conditions. Experimental studies and prediction algorithms are not available or were not evaluated, and the functional significance of this variant is currently unknown. In summary, the available evidence is currently insufficient to determine the role of this variant in disease. Therefore, it has been classified as a Variant of Uncertain Significance.

NM_032790.4(ORAI1):c.46C>T (p.Leu16Phe)

Genes: ORAI1 (ORAI calcium release-activated calcium modulator 1; plus strand), LOC130008987 (ATAC-STARR-seq lymphoblastoid silent region 4981; plus strand). Cytogenetic location: 12q24.31.
Variant type: single nucleotide variant.
Coding change: c.46C>T on transcript NM_032790.4 (MANE Select); coding-DNA position 46, C replaced by T.
Protein change: p.Leu16Phe; replaces leucine 16 with phenylalanine.
Molecular consequence: missense variant. On other transcripts: non-coding transcript variant (1).
Genome position (GRCh38, 1-based): chr12:121,626,788, C>T. VCF-style: chr12-121626788-C-T. GRCh37 (hg19) VCF-style: chr12-122064693-C-T.
Other names: short protein forms L16F.
Identifiers: ClinVar variation 2935079 (VCV002935079.3), dbSNP rs2503521503, ClinGen allele CA386980342.
Genomic context (GRCh38, chr12:121,626,788, plus strand): 5'-TCGGCGGCGTGCTCCATGCATCCGGAGCCCGCCCCGCCCCCGAGCCGCAGCAGTCCCGAG[C>T]TTCCCCCAAGCGGCGGCAGCACCACCAGCGGCAGCCGCCGGAGCCGCCGCCGCAGCGGGG-3'
Protein context (NP_116179.2, residues 6-26): APPPSRSSPE[Leu16Phe]PPSGGSTTSG